The following is an entry in ClinVar:

ClinVar aggregate classification (germline): Uncertain significance. Review status: criteria provided, multiple submitters, no conflicts (2 of 4 stars). 2 submissions from 2 submitters: Uncertain significance (2). Last evaluated 2026-07-07.

Conditions:
Hereditary cancer-predisposing syndrome. Also called: Neoplastic Syndromes, Hereditary; Hereditary Cancer Syndrome; Hereditary neoplastic syndrome; Tumor predisposition. Identifiers: Orphanet 140162, MedGen C0027672, MeSH D009386, MONDO:0015356.
Tuberous sclerosis 1 (TSC1). Identifiers: Orphanet 805, MedGen C1854465, MONDO:0008612, OMIM 191100.

Submissions (2):

Ambry Genetics
Classification: Uncertain significance for Hereditary cancer-predisposing syndrome. Last evaluated: 2026-07-07. Review status: criteria provided, single submitter. Criteria: Ambry Variant Classification Scheme 2023. Collection method: clinical testing. Allele origin: germline.
Comment: The p.I747V variant (also known as c.2239A>G), located in coding exon 16 of the TSC1 gene, results from an A to G substitution at nucleotide position 2239. The isoleucine at codon 747 is replaced by valine, an amino acid with highly similar properties. This amino acid position is conserved. In addition, the in silico prediction for this alteration is inconclusive. Based on the available evidence, the clinical significance of this variant remains unclear.

Labcorp Genetics (formerly Invitae), Labcorp
Classification: Uncertain significance for Tuberous sclerosis 1. Last evaluated: 2023-06-14. Review status: criteria provided, single submitter. Criteria: Invitae Variant Classification Sherloc (09022015). Collection method: clinical testing. Allele origin: germline.
Comment: This sequence change replaces isoleucine, which is neutral and non-polar, with valine, which is neutral and non-polar, at codon 747 of the TSC1 protein (p.Ile747Val). This variant is not present in population databases (gnomAD no frequency). This variant has not been reported in the literature in individuals affected with TSC1-related conditions. ClinVar contains an entry for this variant (Variation ID: 572523). Advanced modeling of protein sequence and biophysical properties (such as structural, functional, and spatial information, amino acid conservation, physicochemical variation, residue mobility, and thermodynamic stability) performed at Invitae indicates that this missense variant is not expected to disrupt TSC1 protein function. In summary, the available evidence is currently insufficient to determine the role of this variant in disease. Therefore, it has been classified as a Variant of Uncertain Significance.

NM_000368.5(TSC1):c.2239A>G (p.Ile747Val)

Gene: TSC1 (TSC complex subunit 1; minus strand). Cytogenetic location: 9q34.13.
Variant type: single nucleotide variant.
Coding change: c.2239A>G on transcript NM_000368.5 (MANE Select); coding-DNA position 2239, A replaced by G.
Protein change: p.Ile747Val; replaces isoleucine 747 with valine.
Molecular consequence: missense variant.
Genome position (GRCh38, 1-based): chr9:132,902,757, T>C on the plus strand (A>G on the coding strand, the complement: TSC1 is on the minus strand). VCF-style: chr9-132902757-T-C. GRCh37 (hg19) VCF-style: chr9-135778144-T-C.
Other names: c.2236A>G, p.Ile746Val (NM_001162426.2); c.2086A>G, p.Ile696Val (NM_001162427.2); c.1876A>G, p.Ile626Val (NM_001362177.2); short protein forms I747V, I626V, I746V, I696V.
Identifiers: ClinVar variation 572523 (VCV000572523.9), dbSNP rs1564477496, ClinGen allele CA375359976.